The following is an entry in ClinVar:

NM_001080397.3(SLC45A1):c.1599G>A (p.Gly533=)

Gene: SLC45A1 (solute carrier family 45 member 1; plus strand). Cytogenetic location: 1p36.23.
Variant type: single nucleotide variant.
Coding change: c.1599G>A on transcript NM_001080397.3 (MANE Select); coding-DNA position 1599, G replaced by A.
Protein change: p.Gly533=; no amino-acid change (glycine 533 retained).
Molecular consequence: synonymous variant.
Genome position (GRCh38, 1-based): chr1:8,337,817, G>A. VCF-style: chr1-8337817-G-A. GRCh37 (hg19) VCF-style: chr1-8397877-G-A.
Other names: c.1623G>A, p.Arg541= (NM_001379614.1); c.1530G>A, p.Arg510= (NM_001379615.1); c.1506G>A, p.Gly502= (NM_001379616.1); c.1017G>A, p.Arg339= (NM_001379617.1); c.993G>A, p.Gly331= (NM_001379618.1).
Identifiers: ClinVar variation 3771680 (VCV003771680.13).

ClinVar aggregate classification (germline): Likely benign (1 of 4 stars; one submission).

gnomAD v4.1: 7 of 1,613,218 alleles (0.00043%); highest among the groups gnomAD compares: Middle Eastern, 0.066%; no homozygotes.

Submission:

CeGaT Center for Human Genetics Tuebingen
Classification: Likely benign. Last evaluated: 2025-02-01. Review status: criteria provided, single submitter. Criteria: CeGaT Center For Human Genetics Tuebingen Variant Classification Criteria Version 2. Collection method: clinical testing. Allele origin: germline. Affected: yes. Observed: 1 variant allele.
Comment: SLC45A1: BP4, BP7